The following is an entry in ClinVar:

NM_001083614.2(EARS2):c.1534G>A (p.Glu512Lys)

Gene: EARS2 (glutamyl-tRNA synthetase 2, mitochondrial; minus strand). Cytogenetic location: 16p12.2.
Variant type: single nucleotide variant.
Coding change: c.1534G>A on transcript NM_001083614.2 (MANE Select); coding-DNA position 1534, G replaced by A.
Protein change: p.Glu512Lys; replaces glutamic acid 512 with lysine.
Molecular consequence: missense variant. On other transcripts: non-coding transcript variant (1).
Genome position (GRCh38, 1-based): chr16:23,524,409, C>T on the plus strand (G>A on the coding strand, the complement: EARS2 is on the minus strand). VCF-style: chr16-23524409-C-T. GRCh37 (hg19) VCF-style: chr16-23535730-C-T.
Other names: short protein forms E512K.
Identifiers: ClinVar variation 4872584 (VCV004872584.2).

ClinVar aggregate classification (germline): Uncertain significance (1 of 4 stars; one submission).

gnomAD v4.1: 2 of 1,614,166 alleles (0.00012%); highest among the groups gnomAD compares: African/African-American, 0.0013%; no homozygotes.

Submission:

CeGaT Center for Human Genetics Tuebingen
Classification: Uncertain significance. Last evaluated: 2026-04-01. Review status: criteria provided, single submitter. Criteria: CeGaT Center For Human Genetics Tuebingen Variant Classification Criteria Version 2. Collection method: clinical testing. Allele origin: germline. Affected: yes. Observed: 1 variant allele.
Comment: EARS2: PM2, PP4